The following is an entry in ClinVar:

ClinVar aggregate classification (germline): Benign (0 of 4 stars; one submission).

Conditions:
YTHDC2-related disorder. Also called: YTHDC2-related condition.

Allele frequency attached by ClinVar (database versions not stated): ESP Exome Variant Server 0.03684; 1000 Genomes Project 0.03874; TOPMed 0.04022; 1000 Genomes Project 30x 0.04232.
gnomAD v4.1: 9,988 of 1,553,990 alleles (0.64%); highest among the groups gnomAD compares: African/African-American, 12%; 571 homozygotes.

Submission:

PreventionGenetics, part of Exact Sciences
Classification: Benign for YTHDC2-related condition. Last evaluated: 2020-01-28. Review status: no assertion criteria provided. Collection method: clinical testing. Allele origin: germline.
Comment: This variant is classified as benign based on ACMG/AMP sequence variant interpretation guidelines (Richards et al. 2015 PMID: 25741868, with internal and published modifications).

NM_022828.5(YTHDC2):c.3234A>G (p.Ser1078=)

Gene: YTHDC2 (YTH N6-methyladenosine RNA binding protein C2; plus strand). Cytogenetic location: 5q22.2.
Variant type: single nucleotide variant.
Coding change: c.3234A>G on transcript NM_022828.5 (MANE Select); coding-DNA position 3234, A replaced by G.
Protein change: p.Ser1078=; no amino-acid change (serine 1078 retained).
Molecular consequence: synonymous variant.
Genome position (GRCh38, 1-based): chr5:113,567,839, A>G. VCF-style: chr5-113567839-A-G. GRCh37 (hg19) VCF-style: chr5-112903536-A-G.
Other names: c.2748A>G, p.Ser916= (NM_001345975.2); c.2334A>G, p.Ser778= (NM_001345976.2).
Identifiers: ClinVar variation 3055550 (VCV003055550.2), dbSNP rs57601831, ClinGen allele CA3372379.